The following is an entry in ClinVar:

ClinVar aggregate classification (germline): Uncertain significance. Review status: reviewed by expert panel (3 of 4 stars). 4 submissions from 4 submitters: Uncertain significance (1). 3 of the submissions do not count toward it. Last evaluated 2023-12-12.

Conditions:
Very long chain acyl-CoA dehydrogenase deficiency (ACADVLD). Also called: VLCAD Deficiency; Very Long-Chain Acyl-Coenzyme A Dehydrogenase Deficiency. Identifiers: Orphanet 26793, MedGen C3887523, MONDO:0008723, OMIM 201475.

Allele frequency attached by ClinVar (database versions not stated): gnomAD 0.00001; TOPMed 0.00002; gnomAD exomes 0.00003 and 0.00008; ExAC 0.00016.
gnomAD v4.1: 49 of 1,614,088 alleles (0.003%); highest among the groups gnomAD compares: East Asian, 0.0045%; no homozygotes.

Submissions (4):

ClinGen ACADVL Variant Curation Expert Panel, ClinGen
Classification: Uncertain significance for Very long chain acyl-CoA dehydrogenase deficiency. Last evaluated: 2023-12-12. Review status: reviewed by expert panel. Criteria: clingen acadvl acmg specifications v1. Collection method: curation. Allele origin: germline. Inheritance: Autosomal recessive inheritance.
Comment: The c.216C>T (p.Ser72=) variant (NM_000018.4) is a synonymous (silent) variant. BP7 was not applied because the nucleotide is conserved, as shown by PhastCons. The results from 3 in silico splicing predictors (SpliceAI, NNsplice, MaxEntScan) support that this variant does not affect splicing (BP4). The highest population minor allele frequency in gnomAD v2.1.1 is 0.0001471 in the European (non-Finnish) population, which is lower than the ClinGen ACADVL Variant Curation Expert Panel threshold (<0.001) for PM2_Supporting, meeting this criterion (PM2_Supporting). In summary, this variant meets the criteria to be classified as a variant of uncertain significance for autosomal recessive very long chain acyl-CoA dehydrogenase (VLCAD) deficiency based on the ACMG/AMP criteria applied, as specified by the ClinGen ACADVL Variant Curation Expert Panel: PM2, BP4 (ACADVL VCEP specifications version 1; approved November 9, 2021).

Labcorp Genetics (formerly Invitae), Labcorp
Classification: Likely benign for Very long chain acyl-CoA dehydrogenase deficiency. Last evaluated: 2026-01-28. Review status: criteria provided, single submitter. Criteria: Invitae Variant Classification Sherloc (09022015). Collection method: clinical testing. Allele origin: germline. Not counted in ClinVar's aggregate classification.

Blueprint Genetics
Classification: Likely benign. Last evaluated: 2022-12-05. Review status: criteria provided, single submitter. Criteria: ACMG Guidelines, 2015. Collection method: clinical testing. Allele origin: germline. Not counted in ClinVar's aggregate classification.

Illumina Laboratory Services, Illumina
Classification: Uncertain significance for Very long chain acyl-CoA dehydrogenase deficiency. Last evaluated: 2017-04-27. Review status: criteria provided, single submitter. Criteria: ICSL Variant Classification Criteria 13 December 2019. Collection method: clinical testing. Allele origin: germline. Not counted in ClinVar's aggregate classification.

NM_000018.4(ACADVL):c.216C>T (p.Ser72=)

Gene: ACADVL (acyl-CoA dehydrogenase very long chain; plus strand). Cytogenetic location: 17p13.1.
Variant type: single nucleotide variant.
Coding change: c.216C>T on transcript NM_000018.4 (MANE Select); coding-DNA position 216, C replaced by T.
Protein change: p.Ser72=; no amino-acid change (serine 72 retained).
Molecular consequence: synonymous variant. On other transcripts: 5 prime UTR variant (1).
Genome position (GRCh38, 1-based): chr17:7,220,615, C>T. VCF-style: chr17-7220615-C-T. GRCh37 (hg19) VCF-style: chr17-7123934-C-T.
Other names: NM_000018.4(ACADVL):c.216C>T; p.Ser72=; c.150C>T, p.Ser50= (NM_001033859.3); c.285C>T, p.Ser95= (NM_001270447.2); c.-13C>T (NM_001270448.2).
Identifiers: ClinVar variation 706747 (VCV000706747.17), dbSNP rs761492981, ClinGen allele CA8337602.